The following is an entry in ClinVar:

ClinVar aggregate classification (germline): Uncertain significance (1 of 4 stars; one submission).

Submission:

Labcorp Genetics (formerly Invitae), Labcorp
Classification: Uncertain significance. Last evaluated: 2024-06-07. Review status: criteria provided, single submitter. Criteria: Invitae Variant Classification Sherloc (09022015). Collection method: clinical testing. Allele origin: germline.
Comment: This sequence change replaces glutamic acid, which is acidic and polar, with lysine, which is basic and polar, at codon 1437 of the ITPR1 protein (p.Glu1437Lys). This variant is not present in population databases (gnomAD no frequency). This variant has not been reported in the literature in individuals affected with ITPR1-related conditions. Advanced modeling of protein sequence and biophysical properties (such as structural, functional, and spatial information, amino acid conservation, physicochemical variation, residue mobility, and thermodynamic stability) has been performed at Invitae for this missense variant, however the output from this modeling did not meet the statistical confidence thresholds required to predict the impact of this variant on ITPR1 protein function. In summary, the available evidence is currently insufficient to determine the role of this variant in disease. Therefore, it has been classified as a Variant of Uncertain Significance.

NM_001378452.1(ITPR1):c.4381G>A (p.Glu1461Lys)

Gene: ITPR1 (inositol 1,4,5-trisphosphate receptor type 1; plus strand). Cytogenetic location: 3p26.1.
Variant type: single nucleotide variant.
Coding change: c.4381G>A on transcript NM_001378452.1 (MANE Select); coding-DNA position 4381, G replaced by A.
Protein change: p.Glu1461Lys; replaces glutamic acid 1461 with lysine.
Molecular consequence: missense variant.
Genome position (GRCh38, 1-based): chr3:4,697,246, G>A. VCF-style: chr3-4697246-G-A. GRCh37 (hg19) VCF-style: chr3-4738930-G-A.
Other names: c.4354G>A, p.Glu1452Lys (NM_001099952.4); c.4336G>A, p.Glu1446Lys (NM_001168272.2); c.4309G>A, p.Glu1437Lys (NM_002222.7); short protein forms E1452K, E1437K, E1446K, E1461K.
Identifiers: ClinVar variation 3655847 (VCV003655847.2).